The following is an entry in ClinVar:

ClinVar aggregate classification (germline): Likely pathogenic. Review status: criteria provided, multiple submitters, no conflicts (2 of 4 stars). 2 submissions from 2 submitters: Likely pathogenic (2). Last evaluated 2024-05-06.

Conditions:
Familial adenomatous polyposis 4 (FAP4). Also called: MSH3-related attenuated familial adenomatous polyposis. Identifiers: Orphanet 480536, MedGen C4310719, MONDO:0044300, OMIM 617100.

Allele frequency attached by ClinVar (database versions not stated): gnomAD exomes below 0.00001.
gnomAD v4.1: 2 of 1,613,778 alleles (0.00012%); highest among the groups gnomAD compares: Non-Finnish European, 0.00017%; no homozygotes.

Submissions (2):

Labcorp Genetics (formerly Invitae), Labcorp
Classification: Likely pathogenic. Last evaluated: 2024-05-06. Review status: criteria provided, single submitter. Criteria: Invitae Variant Classification Sherloc (09022015). Collection method: clinical testing. Allele origin: germline.
Comment: This sequence change affects a donor splice site in intron 22 of the MSH3 gene. RNA analysis indicates that disruption of this splice site induces altered splicing and may result in an absent or disrupted protein product. This variant is not present in population databases (gnomAD no frequency). This variant has not been reported in the literature in individuals affected with MSH3-related conditions. ClinVar contains an entry for this variant (Variation ID: 1478255). Studies have shown that disruption of this splice site results in skipping of exon 22 and introduces a premature termination codon (Invitae). The resulting mRNA is expected to undergo nonsense-mediated decay. In summary, the currently available evidence indicates that the variant is pathogenic, but additional data are needed to prove that conclusively. Therefore, this variant has been classified as Likely Pathogenic.

Myriad Genetics, Inc.
Classification: Likely pathogenic for Familial adenomatous polyposis 4. Last evaluated: 2023-06-12. Review status: criteria provided, single submitter. Criteria: Myriad Autosomal Dominant, Autosomal Recessive and X-Linked Classification Criteria (2023). Collection method: clinical testing. Allele origin: unknown.
Comment: This variant is considered likely pathogenic. This variant occurs within a consensus splice junction and is predicted to result in abnormal mRNA splicing of either an out-of-frame exon or an in-frame exon necessary for protein stability and/or normal function.

NM_002439.5(MSH3):c.3130+1G>A

Gene: MSH3 (mutS homolog 3; plus strand). Cytogenetic location: 5q14.1.
Variant type: single nucleotide variant.
Coding change: c.3130+1G>A on transcript NM_002439.5 (MANE Select); the canonical splice donor site of the intron after coding-DNA position 3130, G replaced by A.
Molecular consequence: splice donor variant.
Genome position (GRCh38, 1-based): chr5:80,864,943, G>A. VCF-style: chr5-80864943-G-A. GRCh37 (hg19) VCF-style: chr5-80160762-G-A.
Identifiers: ClinVar variation 1478255 (VCV001478255.10), dbSNP rs2112118578, ClinGen allele CA360346529.